The following is an entry in ClinVar:

NM_000318.3(PEX2):c.784A>G (p.Ile262Val)

Gene: PEX2 (peroxisomal biogenesis factor 2; minus strand). Cytogenetic location: 8q21.13.
Variant type: single nucleotide variant.
Coding change: c.784A>G on transcript NM_000318.3 (MANE Select); coding-DNA position 784, A replaced by G.
Protein change: p.Ile262Val; replaces isoleucine 262 with valine.
Molecular consequence: missense variant.
Genome position (GRCh38, 1-based): chr8:76,983,395, T>C on the plus strand (A>G on the coding strand, the complement: PEX2 is on the minus strand). VCF-style: chr8-76983395-T-C. GRCh37 (hg19) VCF-style: chr8-77895631-T-C.
Other names: c.784A>G, p.Ile262Val (NM_001079867.2, NM_001172086.2, NM_001172087.2); short protein forms I262V.
Identifiers: ClinVar variation 1429160 (VCV001429160.6), dbSNP rs1806895422, ClinGen allele CA371556587.

ClinVar aggregate classification (germline): Uncertain significance (1 of 4 stars; one submission).

Conditions:
Peroxisome biogenesis disorder 5A (Zellweger) (PBD5A). Identifiers: Orphanet 912, MedGen C3553940, MONDO:0013932, OMIM 614866.

Allele frequency attached by ClinVar (database versions not stated): gnomAD exomes below 0.00001.
gnomAD v4.1: 5 of 1,613,932 alleles (0.00031%); highest among the groups gnomAD compares: Non-Finnish European, 0.00042%; no homozygotes.

Submission:

Labcorp Genetics (formerly Invitae), Labcorp
Classification: Uncertain significance for Peroxisome biogenesis disorder 5A (Zellweger). Last evaluated: 2022-03-09. Review status: criteria provided, single submitter. Criteria: Invitae Variant Classification Sherloc (09022015). Collection method: clinical testing. Allele origin: germline.
Comment: This sequence change replaces isoleucine, which is neutral and non-polar, with valine, which is neutral and non-polar, at codon 262 of the PEX2 protein (p.Ile262Val). This variant is not present in population databases (gnomAD no frequency). This variant has not been reported in the literature in individuals affected with PEX2-related conditions. Algorithms developed to predict the effect of missense changes on protein structure and function output the following: SIFT: "Tolerated"; PolyPhen-2: "Benign"; Align-GVGD: "Class C0". The valine amino acid residue is found in multiple mammalian species, which suggests that this missense change does not adversely affect protein function. In summary, the available evidence is currently insufficient to determine the role of this variant in disease. Therefore, it has been classified as a Variant of Uncertain Significance.